The following is an entry in ClinVar:

ClinVar aggregate classification (germline): Uncertain significance (1 of 4 stars; one submission).

Conditions:
Familial adenomatous polyposis 1 (FAP1). Also called: FAMILIAL ADENOMATOUS POLYPOSIS 1, ATTENUATED; POLYPOSIS, ADENOMATOUS INTESTINAL. Identifiers: MedGen C2713442, MONDO:0021056, OMIM 175100. Disease mechanism: loss of function.

Submission:

Labcorp Genetics (formerly Invitae), Labcorp
Classification: Uncertain significance for Familial adenomatous polyposis 1. Last evaluated: 2019-09-10. Review status: criteria provided, single submitter. Criteria: Invitae Variant Classification Sherloc (09022015). Collection method: clinical testing. Allele origin: germline.
Comment: In summary, the available evidence is currently insufficient to determine the role of this variant in disease. Therefore, it has been classified as a Variant of Uncertain Significance. Algorithms developed to predict the effect of missense changes on protein structure and function (SIFT, PolyPhen-2, Align-GVGD) all suggest that this variant is likely to be tolerated, but these predictions have not been confirmed by published functional studies and their clinical significance is uncertain. This variant has not been reported in the literature in individuals with APC-related conditions. This variant is not present in population databases (ExAC no frequency). This sequence change replaces glutamic acid with glycine at codon 287 of the APC protein (p.Glu287Gly). The glutamic acid residue is highly conserved and there is a moderate physicochemical difference between glutamic acid and glycine.

NM_000038.6(APC):c.860A>G (p.Glu287Gly)

Gene: APC (APC regulator of Wnt signaling pathway; plus strand). Cytogenetic location: 5q22.2.
Variant type: single nucleotide variant.
Coding change: c.860A>G on transcript NM_000038.6 (MANE Select); coding-DNA position 860, A replaced by G.
Protein change: p.Glu287Gly; replaces glutamic acid 287 with glycine.
Molecular consequence: missense variant.
Genome position (GRCh38, 1-based): chr5:112,815,520, A>G. VCF-style: chr5-112815520-A-G. GRCh37 (hg19) VCF-style: chr5-112151217-A-G.
Other names: c.860A>G, p.Glu287Gly (NM_001127510.3, NM_001354895.2, NM_001354896.2 and 1 more transcripts); c.806A>G, p.Glu269Gly (NM_001127511.3); c.890A>G, p.Glu297Gly (NM_001354897.2, NM_001354902.2); c.785A>G, p.Glu262Gly (NM_001354898.2, NM_001354904.2); c.776A>G, p.Glu259Gly (NM_001354899.2); c.683A>G, p.Glu228Gly (NM_001354900.2, NM_001354901.2, NM_001354905.2); c.11A>G, p.Glu4Gly (NM_001354906.2); short protein forms E287G, E4G, E259G, E262G, E269G, E228G, E297G.
Identifiers: ClinVar variation 957181 (VCV000957181.11), dbSNP rs1762413701, ClinGen allele CA16023201.